The following is an entry in ClinVar:

NM_001110556.2(FLNA):c.44C>A (p.Ala15Glu)

Gene: FLNA (filamin A; minus strand). Cytogenetic location: Xq28.
Variant type: single nucleotide variant.
Coding change: c.44C>A on transcript NM_001110556.2 (MANE Select); coding-DNA position 44, C replaced by A.
Protein change: p.Ala15Glu; replaces alanine 15 with glutamic acid.
Molecular consequence: missense variant.
Genome position (GRCh38, 1-based): chrX:154,371,202, G>T on the plus strand (C>A on the coding strand, the complement: FLNA is on the minus strand). VCF-style: chrX-154371202-G-T. GRCh37 (hg19) VCF-style: chrX-153599570-G-T.
Other names: c.44C>A, p.Ala15Glu (NM_001456.4); c.44C>A (NM_001456.3); short protein forms A15E.
Identifiers: ClinVar variation 2111377 (VCV002111377.5), dbSNP rs2522772142, ClinGen allele CA415255819.
Genomic context (GRCh38, chrX:154,371,202, plus strand): 5'-AGGTCCTTCTCGGTGGCCGGCATCTCGGCGTCCCGCGTGTCGACGCCGCCGCCCGGAGCC[G>T]CGCCTGCTGCGCTCTGGCCCGCCCGAGAGTGGGAGCTACTCATTTTGAGGCGCGAGAAGC-3'
Protein context (NP_001104026.1, residues 5-25): HSRAGQSAAG[Ala15Glu]APGGGVDTRD

ClinVar aggregate classification (germline): Uncertain significance. Review status: criteria provided, multiple submitters, no conflicts (2 of 4 stars). 2 submissions from 2 submitters: Uncertain significance (2). Last evaluated 2023-07-19.

Conditions:
Melnick-Needles syndrome (MNS). Also called: MELNICK-NEEDLES OSTEODYSPLASTY; OSTEODYSPLASTY OF MELNICK AND NEEDLES; Melnick-Needles Syndrome (FLNA-MNS). Identifiers: Orphanet 2484, MedGen C0025237, MONDO:0010650, OMIM 309350.
Heterotopia, periventricular, X-linked dominant (PVNH1). Also called: PERIVENTRICULAR NODULAR HETEROTOPIA 1; X-linked periventricular heterotopia; PERIVENTRICULAR NODULAR HETEROTOPIA 4; HETEROTOPIA, PERIVENTRICULAR, 1. Identifiers: Orphanet 2149, Orphanet 82004, MedGen C1848213, MONDO:0010233, OMIM 300049.
Frontometaphyseal dysplasia (FMD1). Identifiers: Orphanet 1826, MedGen C0265293, MONDO:0015942.
Oto-palato-digital syndrome, type II (OPD2). Also called: FACIOPALATOOSSEOUS SYNDROME; OPD II SYNDROME; Otopalatodigital Syndrome Type 2 (FLNA-OPD2); Otopalatodigital Syndrome, Type II. Identifiers: Orphanet 669, Orphanet 90652, MedGen C1844696, MONDO:0010571, OMIM 304120.

Submissions (2):

GeneDx
Classification: Uncertain significance. Last evaluated: 2023-07-19. Review status: criteria provided, single submitter. Criteria: GeneDx Variant Classification Process June 2021. Collection method: clinical testing. Allele origin: germline. Affected: yes.
Comment: Not observed at significant frequency in large population cohorts (gnomAD); In silico analysis supports that this missense variant does not alter protein structure/function; Has not been previously published as pathogenic or benign to our knowledge

Labcorp Genetics (formerly Invitae), Labcorp
Classification: Uncertain significance for Oto-palato-digital syndrome, type II; Heterotopia, periventricular, X-linked dominant; Frontometaphyseal dysplasia; Melnick-Needles syndrome. Last evaluated: 2022-03-13. Review status: criteria provided, single submitter. Criteria: Invitae Variant Classification Sherloc (09022015). Collection method: clinical testing. Allele origin: germline.
Comment: In summary, the available evidence is currently insufficient to determine the role of this variant in disease. Therefore, it has been classified as a Variant of Uncertain Significance. Advanced modeling of protein sequence and biophysical properties (such as structural, functional, and spatial information, amino acid conservation, physicochemical variation, residue mobility, and thermodynamic stability) performed at Invitae indicates that this missense variant is not expected to disrupt FLNA protein function. This variant has not been reported in the literature in individuals affected with FLNA-related conditions. This variant is not present in population databases (gnomAD no frequency). This sequence change replaces alanine, which is neutral and non-polar, with glutamic acid, which is acidic and polar, at codon 15 of the FLNA protein (p.Ala15Glu).